The following is an entry in ClinVar:

NM_000135.4(FANCA):c.3594G>C (p.Gln1198His)

Gene: FANCA (FA complementation group A; minus strand). Cytogenetic location: 16q24.3.
Variant type: single nucleotide variant.
Coding change: c.3594G>C on transcript NM_000135.4 (MANE Select); coding-DNA position 3594, G replaced by C.
Protein change: p.Gln1198His; replaces glutamine 1198 with histidine.
Molecular consequence: missense variant.
Genome position (GRCh38, 1-based): chr16:89,744,991, C>G on the plus strand (G>C on the coding strand, the complement: FANCA is on the minus strand). VCF-style: chr16-89744991-C-G. GRCh37 (hg19) VCF-style: chr16-89811399-C-G.
Other names: c.3594G>C, p.Gln1198His (NM_001286167.3); short protein forms Q1198H.
Identifiers: ClinVar variation 3581459 (VCV003581459.4).
Genomic context (GRCh38, chr16:89,744,991, plus strand): 5'-CACACCCCATCTCACCACCCACACGTACTCGCTGGCAAACTGCCGGCCTTCTTGTAGCTT[C>G]TGCAGTTCCCGGGGCAGCGGGCTCTGGCAGTGTCTCCTCCACCGGCAGAGCAGCACAGGC-3'
Protein context (NP_000126.2, residues 1188-1208): HCQSPLPREL[Gln1198His]KLQEGRQFAS

ClinVar aggregate classification (germline): Uncertain significance. Review status: criteria provided, multiple submitters, no conflicts (2 of 4 stars). 3 submissions from 3 submitters: Uncertain significance (3). Last evaluated 2025-06-09.

Conditions:
Fanconi anemia complementation group A (FANCA). Also called: FANCA-Related Fanconi Anemia; Fanconi anemia, group A. Identifiers: Orphanet 84, MedGen C3469521, MONDO:0009215, OMIM 227650.
Inborn genetic diseases. Identifiers: MedGen C0950123, MeSH D030342.

Submissions (3):

Dasa
Classification: Uncertain significance. Last evaluated: 2025-06-09. Review status: criteria provided, single submitter. Criteria: DASA Assertion Criteria. Collection method: clinical testing. Allele origin: germline.
Comment: NM_000135.4(FANCA):c.3594G>C (p.Gln1198His) is a missense variant that results in the substitution of glutamine with histidine. This variant is rare in population databases. Computational prediction algorithms are consistent with a benign effect. The currently available literature and clinical evidence are not sufficient to establish a definitive association between this variant and the reported condition. Therefore, this variant is classified as a variant of uncertain significance.

Ambry Genetics
Classification: Uncertain significance for Inborn genetic diseases. Last evaluated: 2025-03-17. Review status: criteria provided, single submitter. Criteria: Ambry Variant Classification Scheme 2023. Collection method: clinical testing. Allele origin: germline.
Comment: The p.Q1198H variant (also known as c.3594G>C), located in coding exon 36 of the FANCA gene, results from a G to C substitution at nucleotide position 3594. The glutamine at codon 1198 is replaced by histidine, an amino acid with highly similar properties. This amino acid position is conserved. In addition, this alteration is predicted to be tolerated by in silico analysis. Based on the available evidence, the clinical significance of this variant remains unclear.

Fulgent Genetics
Classification: Uncertain significance for Fanconi anemia complementation group A. Last evaluated: 2024-03-18. Review status: criteria provided, single submitter. Criteria: ACMG Guidelines, 2015. Collection method: clinical testing. Allele origin: germline.